The following is an entry in ClinVar:

ClinVar aggregate classification (germline): Uncertain significance (1 of 4 stars; one submission).

Conditions:
Hereditary cancer-predisposing syndrome. Also called: Neoplastic Syndromes, Hereditary; Tumor predisposition; Hereditary neoplastic syndrome; Hereditary Cancer Syndrome. Identifiers: Orphanet 140162, MedGen C0027672, MeSH D009386, MONDO:0015356.

Allele frequency attached by ClinVar (database versions not stated): gnomAD exomes 0.00001.
gnomAD v4.1: 11 of 1,613,590 alleles (0.00068%); highest among the groups gnomAD compares: Non-Finnish European, 0.00085%; no homozygotes.

Submission:

Ambry Genetics
Classification: Uncertain significance for Hereditary cancer-predisposing syndrome. Last evaluated: 2023-03-06. Review status: criteria provided, single submitter. Criteria: Ambry Variant Classification Scheme 2023. Collection method: clinical testing. Allele origin: germline.
Comment: The p.S355C variant (also known as c.1064C>G), located in coding exon 9 of the MRE11A gene, results from a C to G substitution at nucleotide position 1064. The serine at codon 355 is replaced by cysteine, an amino acid with dissimilar properties. This amino acid position is conserved. In addition, this alteration is predicted to be tolerated by in silico analysis. Since supporting evidence is limited at this time, the clinical significance of this alteration remains unclear.

NM_005591.4(MRE11):c.1064C>G (p.Ser355Cys)

Gene: MRE11 (MRE11 double strand break repair nuclease; minus strand). Cytogenetic location: 11q21.
Variant type: single nucleotide variant.
Coding change: c.1064C>G on transcript NM_005591.4 (MANE Select); coding-DNA position 1064, C replaced by G.
Protein change: p.Ser355Cys; replaces serine 355 with cysteine.
Molecular consequence: missense variant.
Genome position (GRCh38, 1-based): chr11:94,467,847, G>C on the plus strand (C>G on the coding strand, the complement: MRE11 is on the minus strand). VCF-style: chr11-94467847-G-C. GRCh37 (hg19) VCF-style: chr11-94201013-G-C.
Other names: c.1064C>G, p.Ser355Cys (NM_001330347.2, NM_005590.4); short protein forms S355C.
Identifiers: ClinVar variation 2451380 (VCV002451380.2), dbSNP rs2496460222, ClinGen allele CA382373750.